The following is an entry in ClinVar:

NM_002095.6(GTF2E2):c.277G>A (p.Asp93Asn)

Gene: GTF2E2 (general transcription factor IIE subunit 2; minus strand). Cytogenetic location: 8p12.
Variant type: single nucleotide variant.
Coding change: c.277G>A on transcript NM_002095.6 (MANE Select); coding-DNA position 277, G replaced by A.
Protein change: p.Asp93Asn; replaces aspartic acid 93 with asparagine.
Molecular consequence: missense variant.
Genome position (GRCh38, 1-based): chr8:30,614,697, C>T on the plus strand (G>A on the coding strand, the complement: GTF2E2 is on the minus strand). VCF-style: chr8-30614697-C-T. GRCh37 (hg19) VCF-style: chr8-30472214-C-T.
Other names: c.277G>A, p.Asp93Asn (NM_001348353.1); short protein forms D93N.
Identifiers: ClinVar variation 1000552 (VCV001000552.5), dbSNP rs777646389, ClinGen allele CA4701007.

ClinVar aggregate classification (germline): Uncertain significance (1 of 4 stars; one submission).

Allele frequency attached by ClinVar (database versions not stated): gnomAD exomes below 0.00001; ExAC 0.00001; gnomAD 0.00001; TOPMed 0.00002.
gnomAD v4.1: 4 of 1,601,490 alleles (0.00025%); highest among the groups gnomAD compares: African/African-American, 0.004%; no homozygotes.

Submission:

Labcorp Genetics (formerly Invitae), Labcorp
Classification: Uncertain significance. Last evaluated: 2022-08-19. Review status: criteria provided, single submitter. Criteria: Invitae Variant Classification Sherloc (09022015). Collection method: clinical testing. Allele origin: germline.
Comment: This variant is present in population databases (rs777646389, gnomAD 0.008%). In summary, the available evidence is currently insufficient to determine the role of this variant in disease. Therefore, it has been classified as a Variant of Uncertain Significance. Algorithms developed to predict the effect of missense changes on protein structure and function are either unavailable or do not agree on the potential impact of this missense change (SIFT: "Tolerated"; PolyPhen-2: "Possibly Damaging"; Align-GVGD: "Class C0"). ClinVar contains an entry for this variant (Variation ID: 1000552). This variant has not been reported in the literature in individuals affected with GTF2E2-related conditions. This sequence change replaces aspartic acid, which is acidic and polar, with asparagine, which is neutral and polar, at codon 93 of the GTF2E2 protein (p.Asp93Asn).